The following is an entry in ClinVar:

ClinVar aggregate classification (germline): Uncertain significance (1 of 4 stars; one submission).

Submission:

Labcorp Genetics (formerly Invitae), Labcorp
Classification: Uncertain significance. Last evaluated: 2025-04-14. Review status: criteria provided, single submitter. Criteria: Invitae Variant Classification Sherloc (09022015). Collection method: clinical testing. Allele origin: germline.
Comment: This sequence change replaces threonine, which is neutral and polar, with proline, which is neutral and non-polar, at codon 214 of the POGLUT1 protein (p.Thr214Pro). This variant is not present in population databases (gnomAD no frequency). This variant has not been reported in the literature in individuals affected with POGLUT1-related conditions. An algorithm developed to predict the effect of missense changes on protein structure and function (PolyPhen-2) suggests that this variant is likely to be disruptive. In summary, the available evidence is currently insufficient to determine the role of this variant in disease. Therefore, it has been classified as a Variant of Uncertain Significance.

NM_152305.3(POGLUT1):c.640A>C (p.Thr214Pro)

Gene: POGLUT1 (protein O-glucosyltransferase 1; plus strand). Cytogenetic location: 3q13.33.
Variant type: single nucleotide variant.
Coding change: c.640A>C on transcript NM_152305.3 (MANE Select); coding-DNA position 640, A replaced by C.
Protein change: p.Thr214Pro; replaces threonine 214 with proline.
Molecular consequence: missense variant. On other transcripts: non-coding transcript variant (1).
Genome position (GRCh38, 1-based): chr3:119,486,834, A>C. VCF-style: chr3-119486834-A-C. GRCh37 (hg19) VCF-style: chr3-119205681-A-C.
Other names: short protein forms T214P.
Identifiers: ClinVar variation 4717516 (VCV004717516.1).